The following is an entry in ClinVar:

NM_030662.4(MAP2K2):c.682G>C (p.Val228Leu)

Gene: MAP2K2 (mitogen-activated protein kinase kinase 2; minus strand). Cytogenetic location: 19p13.3.
Variant type: single nucleotide variant.
Coding change: c.682G>C on transcript NM_030662.4 (MANE Select); coding-DNA position 682, G replaced by C.
Protein change: p.Val228Leu; replaces valine 228 with leucine.
Molecular consequence: missense variant.
Genome position (GRCh38, 1-based): chr19:4,101,042, C>G on the plus strand (G>C on the coding strand, the complement: MAP2K2 is on the minus strand). VCF-style: chr19-4101042-C-G. GRCh37 (hg19) VCF-style: chr19-4101040-C-G.
Other names: short protein forms V228L.
Identifiers: ClinVar variation 843844 (VCV000843844.11), dbSNP rs999810842, ClinGen allele CA403388375.

ClinVar aggregate classification (germline): Uncertain significance. Review status: criteria provided, single submitter (1 of 4 stars). 2 submissions from 2 submitters: Uncertain significance (1). 1 of the submissions does not count toward it. Last evaluated 2025-03-10.

Conditions:
MAP2K2-related disorder. Also called: MAP2K2-related condition.
RASopathy. Also called: rasopathies; Noonan spectrum disorder. Identifiers: Orphanet 536391, MedGen C5555857, MONDO:0021060.

Allele frequency attached by ClinVar (database versions not stated): TOPMed 0.00001.

Submissions (2):

Labcorp Genetics (formerly Invitae), Labcorp
Classification: Uncertain significance for RASopathy. Last evaluated: 2025-03-10. Review status: criteria provided, single submitter. Criteria: Invitae Variant Classification Sherloc (09022015). Collection method: clinical testing. Allele origin: germline.
Comment: This sequence change replaces valine, which is neutral and non-polar, with leucine, which is neutral and non-polar, at codon 228 of the MAP2K2 protein (p.Val228Leu). This variant is not present in population databases (gnomAD no frequency). This variant has not been reported in the literature in individuals affected with MAP2K2-related conditions. ClinVar contains an entry for this variant (Variation ID: 843844). Invitae Evidence Modeling incorporating data from in vitro experimental studies (internal data) indicates that this missense variant is not expected to disrupt MAP2K2 function with a negative predictive value of 95%. In summary, the available evidence is currently insufficient to determine the role of this variant in disease. Therefore, it has been classified as a Variant of Uncertain Significance.

PreventionGenetics, part of Exact Sciences
Classification: Uncertain significance for MAP2K2-related condition. Last evaluated: 2024-02-12. Review status: no assertion criteria provided. Collection method: clinical testing. Allele origin: germline. Not counted in ClinVar's aggregate classification.
Comment: The MAP2K2 c.682G>C variant is predicted to result in the amino acid substitution p.Val228Leu. To our knowledge, this variant has not been reported in the literature or in a large population database, indicating this variant is rare. At this time, the clinical significance of this variant is uncertain due to the absence of conclusive functional and genetic evidence.